The following is an entry in ClinVar:

NM_032634.4(PIGO):c.1120-2A>C

Gene: PIGO (phosphatidylinositol glycan anchor biosynthesis class O; minus strand). Cytogenetic location: 9p13.3.
Variant type: single nucleotide variant.
Coding change: c.1120-2A>C on transcript NM_032634.4 (MANE Select); the canonical splice acceptor site of the intron before coding-DNA position 1120, A replaced by C.
Molecular consequence: splice acceptor variant.
Genome position (GRCh38, 1-based): chr9:35,092,769, T>G on the plus strand (A>C on the coding strand, the complement: PIGO is on the minus strand). VCF-style: chr9-35092769-T-G. GRCh37 (hg19) VCF-style: chr9-35092766-T-G.
Other names: c.1120-2A>C (NM_152850.4, NM_001201484.2).
Identifiers: ClinVar variation 5021114 (VCV005021114.1).

ClinVar aggregate classification (germline): Pathogenic (1 of 4 stars; one submission).

Conditions:
Fetal anomalies with a likely genetic cause.

gnomAD v4.1: 1 of 1,600,688 alleles (0.000062%); highest among the groups gnomAD compares: East Asian, 0.0022%; no homozygotes.

Submission:

Genetics Laboratory, Great Ormond Street Hospital NHS Foundation Trust, North Thames Genomic Laboratory Hub
Classification: Pathogenic for Fetal anomalies with a likely genetic cause. Last evaluated: 2026-08-20. Review status: criteria provided, single submitter. Criteria: ACGS Best Practice Guidelines for Variant Classification in Rare Disease 2024 v1.2. Collection method: clinical testing. Allele origin: germline. Affected: yes.
Comment: PM2_moderate, PVS1_very-strong